The following is an entry in ClinVar:

NM_000368.5(TSC1):c.124G>A (p.Val42Ile)

Gene: TSC1 (TSC complex subunit 1; minus strand). Cytogenetic location: 9q34.13.
Variant type: single nucleotide variant.
Coding change: c.124G>A on transcript NM_000368.5 (MANE Select); coding-DNA position 124, G replaced by A.
Protein change: p.Val42Ile; replaces valine 42 with isoleucine.
Molecular consequence: missense variant. On other transcripts: 5 prime UTR variant (9), non-coding transcript variant (4), intron variant (9).
Genome position (GRCh38, 1-based): chr9:132,927,287, C>T on the plus strand (G>A on the coding strand, the complement: TSC1 is on the minus strand). VCF-style: chr9-132927287-C-T. GRCh37 (hg19) VCF-style: chr9-135802674-C-T.
Other names: c.124G>A, p.Val42Ile (NM_001162426.2, NM_001162427.2, NM_001406592.1 and 21 more transcripts); c.-365G>A (NM_001406615.1, NM_001406623.1); c.-332G>A (NM_001406616.1, NM_001406624.1); c.-754G>A (NM_001406626.1, NM_001406627.1, NM_001406628.1); c.-896G>A (NM_001406629.1); c.-970G>A (NM_001406630.1); c.-153-1548G>A (NM_001406620.1, NM_001406618.1); c.-154+1480G>A (NM_001406625.1, NM_001406621.1, NM_001406617.1 and 3 more transcripts); and 1 more; short protein forms V42I.
Identifiers: ClinVar variation 3974533 (VCV003974533.2).

ClinVar aggregate classification (germline): Uncertain significance. Review status: criteria provided, multiple submitters, no conflicts (2 of 4 stars). 2 submissions from 2 submitters: Uncertain significance (2). Last evaluated 2025-09-24.

Conditions:
Hereditary cancer-predisposing syndrome. Also called: Tumor predisposition; Neoplastic Syndromes, Hereditary; Hereditary Cancer Syndrome; Hereditary neoplastic syndrome. Identifiers: Orphanet 140162, MedGen C0027672, MeSH D009386, MONDO:0015356.
Tuberous sclerosis 1 (TSC1). Identifiers: Orphanet 805, MedGen C1854465, MONDO:0008612, OMIM 191100.

Submissions (2):

Labcorp Genetics (formerly Invitae), Labcorp
Classification: Uncertain significance for Tuberous sclerosis 1. Last evaluated: 2025-09-24. Review status: criteria provided, single submitter. Criteria: Invitae Variant Classification Sherloc (09022015). Collection method: clinical testing. Allele origin: germline.
Comment: This sequence change replaces valine, which is neutral and non-polar, with isoleucine, which is neutral and non-polar, at codon 42 of the TSC1 protein (p.Val42Ile). This variant is not present in population databases (gnomAD no frequency). This variant has not been reported in the literature in individuals affected with TSC1-related conditions. ClinVar contains an entry for this variant (Variation ID: 3974533). Invitae Evidence Modeling of protein sequence and biophysical properties (such as structural, functional, and spatial information, amino acid conservation, physicochemical variation, residue mobility, and thermodynamic stability) indicates that this missense variant is not expected to disrupt TSC1 protein function with a negative predictive value of 95%. This variant disrupts the p.Val42 amino acid residue in TSC1. Other variant(s) that disrupt this residue have been determined to be pathogenic (internal data). This suggests that this residue is clinically significant, and that variants that disrupt this residue are likely to be disease-causing. In summary, the available evidence is currently insufficient to determine the role of this variant in disease. Therefore, it has been classified as a Variant of Uncertain Significance.

Ambry Genetics
Classification: Uncertain significance for Hereditary cancer-predisposing syndrome. Last evaluated: 2025-03-26. Review status: criteria provided, single submitter. Criteria: Ambry Variant Classification Scheme 2023. Collection method: clinical testing. Allele origin: germline.
Comment: The p.V42I variant (also known as c.124G>A), located in coding exon 2 of the TSC1 gene, results from a G to A substitution at nucleotide position 124. The valine at codon 42 is replaced by isoleucine, an amino acid with highly similar properties. This amino acid position is not well conserved in available vertebrate species. In addition, the in silico prediction for this alteration is inconclusive. Based on the available evidence, the clinical significance of this variant remains unclear.